The following is an entry in ClinVar:

NM_024675.4(PALB2):c.1832A>G (p.Asp611Gly)

Gene: PALB2 (partner and localizer of BRCA2; minus strand). Cytogenetic location: 16p12.2.
Variant type: single nucleotide variant.
Coding change: c.1832A>G on transcript NM_024675.4 (MANE Select); coding-DNA position 1832, A replaced by G.
Protein change: p.Asp611Gly; replaces aspartic acid 611 with glycine.
Molecular consequence: missense variant.
Genome position (GRCh38, 1-based): chr16:23,630,322, T>C on the plus strand (A>G on the coding strand, the complement: PALB2 is on the minus strand). VCF-style: chr16-23630322-T-C. GRCh37 (hg19) VCF-style: chr16-23641643-T-C.
Other names: c.1772A>G, p.Asp591Gly (NM_001407296.1); c.1832A>G, p.Asp611Gly (NM_001407297.1, NM_001407298.1, NM_001407299.1 and 3 more transcripts); c.947A>G, p.Asp316Gly (NM_001407304.1, NM_001407305.1, NM_001407306.1 and 5 more transcripts); c.44A>G, p.Asp15Gly (NM_001407312.1, NM_001407313.1); short protein forms D316G, D15G, D611G, D591G.
Identifiers: ClinVar variation 1960038 (VCV001960038.5), dbSNP rs2142388232, ClinGen allele CA395127909.

ClinVar aggregate classification (germline): Uncertain significance (1 of 4 stars; one submission).

Conditions:
Familial cancer of breast. Also called: hereditary breast carcinoma; BREAST CANCER, FAMILIAL; Hereditary breast cancer. Identifiers: Orphanet 227535, MedGen C0346153, MONDO:0016419, OMIM 114480. Disease mechanism: loss of function.

Submission:

Labcorp Genetics (formerly Invitae), Labcorp
Classification: Uncertain significance for Familial cancer of breast. Last evaluated: 2023-02-22. Review status: criteria provided, single submitter. Criteria: Invitae Variant Classification Sherloc (09022015). Collection method: clinical testing. Allele origin: germline.
Comment: This sequence change replaces aspartic acid, which is acidic and polar, with glycine, which is neutral and non-polar, at codon 611 of the PALB2 protein (p.Asp611Gly). This variant is not present in population databases (gnomAD no frequency). This variant has not been reported in the literature in individuals affected with PALB2-related conditions. Advanced modeling of protein sequence and biophysical properties (such as structural, functional, and spatial information, amino acid conservation, physicochemical variation, residue mobility, and thermodynamic stability) performed at Invitae indicates that this missense variant is expected to disrupt PALB2 protein function. In summary, the available evidence is currently insufficient to determine the role of this variant in disease. Therefore, it has been classified as a Variant of Uncertain Significance.